The following is an entry in ClinVar:

NM_206933.4(USH2A):c.13130C>T (p.Ser4377Leu)

Gene: USH2A (usherin; minus strand). Cytogenetic location: 1q41.
Variant type: single nucleotide variant.
Coding change: c.13130C>T on transcript NM_206933.4 (MANE Select); coding-DNA position 13130, C replaced by T.
Protein change: p.Ser4377Leu; replaces serine 4377 with leucine.
Molecular consequence: missense variant.
Genome position (GRCh38, 1-based): chr1:215,674,781, G>A on the plus strand (C>T on the coding strand, the complement: USH2A is on the minus strand). VCF-style: chr1-215674781-G-A. GRCh37 (hg19) VCF-style: chr1-215848123-G-A.
Other names: short protein forms S4377L.
Identifiers: ClinVar variation 3233593 (VCV003233593.3), dbSNP rs111033385, ClinGen allele CA37412700.

ClinVar aggregate classification (germline): Uncertain significance. Review status: criteria provided, multiple submitters, no conflicts (2 of 4 stars). 2 submissions from 2 submitters: Uncertain significance (2). Last evaluated 2025-10-20.

Allele frequency attached by ClinVar (database versions not stated): gnomAD 0.00001; TOPMed 0.00002.
gnomAD v4.1: 6 of 1,614,020 alleles (0.00037%); highest among the groups gnomAD compares: African/African-American, 0.0067%; no homozygotes.

Submissions (2):

Labcorp Genetics (formerly Invitae), Labcorp
Classification: Uncertain significance. Last evaluated: 2025-10-20. Review status: criteria provided, single submitter. Criteria: Invitae Variant Classification Sherloc (09022015). Collection method: clinical testing. Allele origin: germline.
Comment: This sequence change replaces serine, which is neutral and polar, with leucine, which is neutral and non-polar, at codon 4377 of the USH2A protein (p.Ser4377Leu). This variant is not present in population databases (gnomAD no frequency). This variant has not been reported in the literature in individuals affected with USH2A-related conditions. ClinVar contains an entry for this variant (Variation ID: 3233593). Invitae Evidence Modeling of protein sequence and biophysical properties (such as structural, functional, and spatial information, amino acid conservation, physicochemical variation, residue mobility, and thermodynamic stability) indicates that this missense variant is not expected to disrupt USH2A protein function with a negative predictive value of 95%. In summary, the available evidence is currently insufficient to determine the role of this variant in disease. Therefore, it has been classified as a Variant of Uncertain Significance.

Women's Health and Genetics/Laboratory Corporation of America, LabCorp
Classification: Uncertain significance. Last evaluated: 2024-03-07. Review status: criteria provided, single submitter. Criteria: LabCorp Variant Classification Summary - May 2015. Collection method: clinical testing. Allele origin: germline.
Comment: Variant summary: USH2A c.13130C>T (p.Ser4377Leu) results in a non-conservative amino acid change located in the Fibronectin type III domain (IPR003961) of the encoded protein sequence. Three of five in-silico tools predict a benign effect of the variant on protein function. The variant was absent in 250694 control chromosomes (gnomAD). The available data on variant occurrences in the general population are insufficient to allow any conclusion about variant significance. To our knowledge, no occurrence of c.13130C>T in individuals affected with Usher Syndrome and no experimental evidence demonstrating its impact on protein function have been reported. No submitters have cited clinical-significance assessments for this variant to ClinVar. Based on the evidence outlined above, the variant was classified as uncertain significance.